The following is an entry in ClinVar:

NM_138694.4(PKHD1):c.2876C>T (p.Ser959Phe)

Gene: PKHD1 (PKHD1 ciliary IPT domain containing fibrocystin/polyductin; minus strand). Cytogenetic location: 6p12.2.
Variant type: single nucleotide variant.
Coding change: c.2876C>T on transcript NM_138694.4 (MANE Select); coding-DNA position 2876, C replaced by T.
Protein change: p.Ser959Phe; replaces serine 959 with phenylalanine.
Molecular consequence: missense variant.
Genome position (GRCh38, 1-based): chr6:52,043,080, G>A on the plus strand (C>T on the coding strand, the complement: PKHD1 is on the minus strand). VCF-style: chr6-52043080-G-A. GRCh37 (hg19) VCF-style: chr6-51907878-G-A.
Other names: c.2876C>T, p.Ser959Phe (NM_170724.3); short protein forms S959F.
Identifiers: ClinVar variation 595879 (VCV000595879.7), dbSNP rs567481772, ClinGen allele CA138961933.

ClinVar aggregate classification (germline): Uncertain significance. Review status: criteria provided, multiple submitters, no conflicts (2 of 4 stars). 2 submissions from 2 submitters: Uncertain significance (2). Last evaluated 2022-01-24.

Allele frequency attached by ClinVar (database versions not stated): 1000 Genomes Project below 0.00001; gnomAD exomes below 0.00001; gnomAD 0.00001; TOPMed 0.00002.
gnomAD v4.1: 7 of 1,613,290 alleles (0.00043%); highest among the groups gnomAD compares: East Asian, 0.0089%; no homozygotes.

Submissions (2):

GeneDx
Classification: Uncertain significance. Last evaluated: 2022-01-24. Review status: criteria provided, single submitter. Criteria: GeneDx Variant Classification Process June 2021. Collection method: clinical testing. Allele origin: germline. Affected: yes.
Comment: Not observed at significant frequency in large population cohorts (gnomAD); In silico analysis supports that this missense variant has a deleterious effect on protein structure/function; This variant is associated with the following publications: (PMID: 31638247)

Eurofins Ntd Llc (ga)
Classification: Uncertain significance. Last evaluated: 2018-02-12. Review status: criteria provided, single submitter. Criteria: EGL ClinVar v180209 classification definitions. Collection method: clinical testing. Allele origin: germline. Observed: 1 variant allele, 1 heterozygote.